The following is an entry in ClinVar:

ClinVar aggregate classification (germline): Uncertain significance (1 of 4 stars; one submission).

Conditions:
Progressive familial heart block type IB (PFHB1B). Identifiers: Orphanet 871, MedGen C1970298, MONDO:0011474, OMIM 604559.

Allele frequency attached by ClinVar (database versions not stated): gnomAD exomes below 0.00001 and 0.00001.
gnomAD v4.1: 5 of 1,550,676 alleles (0.00032%); highest among the groups gnomAD compares: East Asian, 0.0048%; no homozygotes.

Submission:

Labcorp Genetics (formerly Invitae), Labcorp
Classification: Uncertain significance for Progressive familial heart block type IB. Last evaluated: 2024-10-24. Review status: criteria provided, single submitter. Criteria: Invitae Variant Classification Sherloc (09022015). Collection method: clinical testing. Allele origin: germline.
Comment: This sequence change replaces tyrosine, which is neutral and polar, with cysteine, which is neutral and slightly polar, at codon 818 of the TRPM4 protein (p.Tyr818Cys). The frequency data for this variant in the population databases is considered unreliable, as metrics indicate poor data quality at this position in the gnomAD database. This variant has not been reported in the literature in individuals affected with TRPM4-related conditions. ClinVar contains an entry for this variant (Variation ID: 1424120). An algorithm developed to predict the effect of missense changes on protein structure and function (PolyPhen-2) suggests that this variant is likely to be disruptive. In summary, the available evidence is currently insufficient to determine the role of this variant in disease. Therefore, it has been classified as a Variant of Uncertain Significance.

NM_017636.4(TRPM4):c.2453A>G (p.Tyr818Cys)

Gene: TRPM4 (transient receptor potential cation channel subfamily M member 4; plus strand). Cytogenetic location: 19q13.33.
Variant type: single nucleotide variant.
Coding change: c.2453A>G on transcript NM_017636.4 (MANE Select); coding-DNA position 2453, A replaced by G.
Protein change: p.Tyr818Cys; replaces tyrosine 818 with cysteine.
Molecular consequence: missense variant. On other transcripts: intron variant (1).
Genome position (GRCh38, 1-based): chr19:49,196,682, A>G. VCF-style: chr19-49196682-A-G. GRCh37 (hg19) VCF-style: chr19-49699939-A-G.
Other names: c.2108A>G, p.Tyr703Cys (NM_001321281.2); c.845A>G, p.Tyr282Cys (NM_001321282.2); c.1931A>G, p.Tyr644Cys (NM_001321283.2); c.1391A>G, p.Tyr464Cys (NM_001321285.2); c.2211-3618A>G (NM_001195227.2); short protein forms Y282C, Y464C, Y644C, Y703C, Y818C.
Identifiers: ClinVar variation 1424120 (VCV001424120.6), dbSNP rs761147699, ClinGen allele CA9569552.